The following is an entry in ClinVar:

ClinVar aggregate classification (germline): Uncertain significance (1 of 4 stars; one submission).

gnomAD v4.1: 1 of 1,614,166 alleles (0.000062%); highest among the groups gnomAD compares: African/African-American, 0.0013%; no homozygotes.

Submission:

Women's Health and Genetics/Laboratory Corporation of America, LabCorp
Classification: Uncertain significance. Last evaluated: 2025-03-19. Review status: criteria provided, single submitter. Criteria: LabCorp Variant Classification Summary - May 2015. Collection method: clinical testing. Allele origin: germline.
Comment: Variant summary: ZFYVE27 c.116A>C (p.Asn39Thr) results in a non-conservative amino acid change in the encoded protein sequence. Three of five in-silico tools predict a damaging effect of the variant on protein function. The variant allele was found at a frequency of 6.2e-07 in 1607192 control chromosomes. The available data on variant occurrences in the general population are insufficient to allow any conclusion about variant significance. To our knowledge, no occurrence of c.116A>C in individuals affected with Hereditary Spastic Paraplegia 33 and no experimental evidence demonstrating its impact on protein function have been reported. No submitters have cited clinical-significance assessments for this variant to ClinVar. Based on the evidence outlined above, the variant was classified as uncertain significance.

NM_001385875.1(ZFYVE27):c.116A>C (p.Asn39Thr)

Gene: ZFYVE27 (zinc finger FYVE-type containing 27; plus strand). Cytogenetic location: 10q24.2.
Variant type: single nucleotide variant.
Coding change: c.116A>C on transcript NM_001385875.1 (MANE Select); coding-DNA position 116, A replaced by C.
Protein change: p.Asn39Thr; replaces asparagine 39 with threonine.
Molecular consequence: missense variant. On other transcripts: 5 prime UTR variant (13), non-coding transcript variant (17), intron variant (5).
Genome position (GRCh38, 1-based): chr10:97,738,593, A>C. VCF-style: chr10-97738593-A-C. GRCh37 (hg19) VCF-style: chr10-99498350-A-C.
Other names: c.116A>C, p.Asn39Thr (NM_001002261.4, NM_001002262.4, NM_001174119.2 and 24 more transcripts); c.-64A>C (NM_001385890.1, NM_001385893.1, NM_001385895.1 and 2 more transcripts); c.-51A>C (NM_001385899.1, NM_001385900.1, NM_001385903.1 and 4 more transcripts); c.-79A>C (NM_001385915.1); c.-8+1272A>C (NM_001385891.1, NM_001385894.1, NM_001385892.1 and 1 more transcripts); c.-27+1272A>C (NM_001174121.2); short protein forms N39T.
Identifiers: ClinVar variation 3896080 (VCV003896080.1).